The following is an entry in ClinVar:

NM_000330.4(RS1):c.53-8T>A

Gene: RS1 (retinoschisin 1; minus strand). Cytogenetic location: Xp22.13.
Variant type: single nucleotide variant.
Coding change: c.53-8T>A on transcript NM_000330.4 (MANE Select); 8 bases into the intron before coding-DNA position 53, T replaced by A.
Molecular consequence: intron variant.
Genome position (GRCh38, 1-based): chrX:18,657,673, A>T on the plus strand (T>A on the coding strand, the complement: RS1 is on the minus strand). VCF-style: chrX-18657673-A-T. GRCh37 (hg19) VCF-style: chrX-18675793-A-T.
Identifiers: ClinVar variation 2765788 (VCV002765788.3), dbSNP rs2518938626, ClinGen allele CA2697552878.

ClinVar aggregate classification (germline): Uncertain significance (1 of 4 stars; one submission).

Submission:

Labcorp Genetics (formerly Invitae), Labcorp
Classification: Uncertain significance. Last evaluated: 2023-05-23. Review status: criteria provided, single submitter. Criteria: Invitae Variant Classification Sherloc (09022015). Collection method: clinical testing. Allele origin: germline.
Comment: In summary, the available evidence is currently insufficient to determine the role of this variant in disease. Therefore, it has been classified as a Variant of Uncertain Significance. Algorithms developed to predict the effect of sequence changes on RNA splicing suggest that this variant may disrupt the consensus splice site. This variant has not been reported in the literature in individuals affected with RS1-related conditions. This variant is not present in population databases (gnomAD no frequency). This sequence change falls in intron 1 of the RS1 gene. It does not directly change the encoded amino acid sequence of the RS1 protein.